The following is an entry in ClinVar:

NM_152564.5(VPS13B):c.9128A>G (p.Glu3043Gly)

Gene: VPS13B (vacuolar protein sorting 13 homolog B; plus strand). Cytogenetic location: 8q22.2.
Variant type: single nucleotide variant.
Coding change: c.9128A>G on transcript NM_152564.5 (MANE Select); coding-DNA position 9128, A replaced by G.
Protein change: p.Glu3043Gly; replaces glutamic acid 3043 with glycine.
Molecular consequence: missense variant.
Genome position (GRCh38, 1-based): chr8:99,821,427, A>G. VCF-style: chr8-99821427-A-G. GRCh37 (hg19) VCF-style: chr8-100833655-A-G.
Other names: c.9128A>G (NM_152564.4); c.9203A>G, p.Glu3068Gly (NM_017890.5); short protein forms E3068G, E3043G.
Identifiers: ClinVar variation 856901 (VCV000856901.5), dbSNP rs778973890, ClinGen allele CA4824623.

ClinVar aggregate classification (germline): Uncertain significance. Review status: criteria provided, multiple submitters, no conflicts (2 of 4 stars). 2 submissions from 2 submitters: Uncertain significance (2). Last evaluated 2025-08-05.

Conditions:
Cohen syndrome (COH1). Also called: PEPPER SYNDROME; Cutis verticis gyrata, retinitis pigmentosa, and sensorineural deafness. Identifiers: Orphanet 193, MedGen C0265223, MONDO:0008999, OMIM 216550.
VPS13B-related disorder. Also called: VPS13B-related condition.

Allele frequency attached by ClinVar (database versions not stated): gnomAD exomes 0.00001; TOPMed 0.00001.
gnomAD v4.1: 5 of 1,613,898 alleles (0.00031%); highest among the groups gnomAD compares: Admixed American, 0.0083%; no homozygotes.

Submissions (2):

PreventionGenetics, part of Exact Sciences
Classification: Uncertain significance for VPS13B-related condition. Last evaluated: 2025-08-05. Review status: criteria provided, single submitter. Criteria: ACMG Guidelines, 2015. Collection method: clinical testing. Allele origin: germline.
Comment: The VPS13B c.9128A>G variant is predicted to result in the amino acid substitution p.Glu3043Gly. To our knowledge, this variant has not been reported in the literature. This variant is reported in 0.020% of alleles in individuals of Latino descent in gnomAD. At this time, the clinical significance of this variant is uncertain due to the absence of conclusive functional and genetic evidence.

Labcorp Genetics (formerly Invitae), Labcorp
Classification: Uncertain significance for Cohen syndrome. Last evaluated: 2022-10-24. Review status: criteria provided, single submitter. Criteria: Invitae Variant Classification Sherloc (09022015). Collection method: clinical testing. Allele origin: germline.
Comment: This sequence change replaces glutamic acid, which is acidic and polar, with glycine, which is neutral and non-polar, at codon 3068 of the VPS13B protein (p.Glu3068Gly). This variant is present in population databases (rs778973890, gnomAD 0.02%), including at least one homozygous and/or hemizygous individual. This variant has not been reported in the literature in individuals affected with VPS13B-related conditions. ClinVar contains an entry for this variant (Variation ID: 856901). Advanced modeling of protein sequence and biophysical properties (such as structural, functional, and spatial information, amino acid conservation, physicochemical variation, residue mobility, and thermodynamic stability) performed at Invitae indicates that this missense variant is expected to disrupt VPS13B protein function. In summary, the available evidence is currently insufficient to determine the role of this variant in disease. Therefore, it has been classified as a Variant of Uncertain Significance.